The following is an entry in ClinVar:

ClinVar aggregate classification (germline): Likely benign. Review status: criteria provided, multiple submitters, no conflicts (2 of 4 stars). 2 submissions from 2 submitters: Likely benign (2). Last evaluated 2024-02-17.

Conditions:
Progressive sclerosing poliodystrophy (MTDPS4A). Also called: Mitochondrial DNA depletion syndrome 4A (Alpers type); Alpers Syndrome; ALPERS DIFFUSE DEGENERATION OF CEREBRAL GRAY MATTER WITH HEPATIC CIRRHOSIS; Mitochondrial DNA Depletion Syndrome 4A; Alpers-Huttenlocher Syndrome (AHS); ALPERS PROGRESSIVE INFANTILE POLIODYSTROPHY. Identifiers: Orphanet 726, MedGen C0205710, MONDO:0008758, OMIM 203700.

Submissions (2):

Labcorp Genetics (formerly Invitae), Labcorp
Classification: Likely benign for Progressive sclerosing poliodystrophy. Last evaluated: 2024-02-17. Review status: criteria provided, single submitter. Criteria: Invitae Variant Classification Sherloc (09022015). Collection method: clinical testing. Allele origin: germline.

GeneDx
Classification: Likely benign. Last evaluated: 2016-06-09. Review status: criteria provided, single submitter. Criteria: GeneDx Variant Classification (06012015). Collection method: clinical testing. Allele origin: germline. Affected: yes.
Comment: This variant is considered likely benign or benign based on one or more of the following criteria: it is a conservative change, it occurs at a poorly conserved position in the protein, it is predicted to be benign by multiple in silico algorithms, and/or has population frequency not consistent with disease.

NM_002693.3(POLG):c.158_159insGCAGCAACA (p.Gln53_Gln55dup)

Genes: POLGARF (POLG alternative reading frame; minus strand), POLG (DNA polymerase gamma, catalytic subunit; minus strand). Cytogenetic location: 15q26.1.
Variant type: Insertion.
Coding change: c.158_159insGCAGCAACA on transcript NM_002693.3 (MANE Select); coding-DNA positions 158 to 159, GCAGCAACA inserted.
Protein change: p.Gln53_Gln55dup.
Molecular consequence: inframe insertion.
Genome position: GRCh38 VCF-style: chr15-89333596-T-TTGTTGCTGC. GRCh37 (hg19) VCF-style: chr15-89876827-T-TTGTTGCTGC.
Other names: c.158_159insGCAGCAACA, p.Gln53_Gln55dup (NM_001126131.2).
Identifiers: ClinVar variation 420255 (VCV000420255.9), dbSNP rs1555454333, ClinGen allele CA16620027.